The following is an entry in ClinVar:

ClinVar aggregate classification (germline): Uncertain significance (1 of 4 stars; one submission).

gnomAD v4.1: 1 of 1,613,132 alleles (0.000062%); no homozygotes.

Submission:

Labcorp Genetics (formerly Invitae), Labcorp
Classification: Uncertain significance. Last evaluated: 2022-05-30. Review status: criteria provided, single submitter. Criteria: Invitae Variant Classification Sherloc (09022015). Collection method: clinical testing. Allele origin: germline.
Comment: Algorithms developed to predict the effect of missense changes on protein structure and function output the following: SIFT: "Tolerated"; PolyPhen-2: "Benign"; Align-GVGD: "Class C0". The alanine amino acid residue is found in multiple mammalian species, which suggests that this missense change does not adversely affect protein function. In summary, the available evidence is currently insufficient to determine the role of this variant in disease. Therefore, it has been classified as a Variant of Uncertain Significance. This variant has not been reported in the literature in individuals affected with HMCN1-related conditions. This variant is present in population databases (no rsID available, gnomAD 0.0009%). This sequence change replaces threonine, which is neutral and polar, with alanine, which is neutral and non-polar, at codon 1321 of the HMCN1 protein (p.Thr1321Ala).

NM_031935.3(HMCN1):c.3961A>G (p.Thr1321Ala)

Gene: HMCN1 (hemicentin 1; plus strand). Cytogenetic location: 1q31.1.
Variant type: single nucleotide variant.
Coding change: c.3961A>G on transcript NM_031935.3 (MANE Select); coding-DNA position 3961, A replaced by G.
Protein change: p.Thr1321Ala; replaces threonine 1321 with alanine.
Molecular consequence: missense variant.
Genome position (GRCh38, 1-based): chr1:186,000,131, A>G. VCF-style: chr1-186000131-A-G. GRCh37 (hg19) VCF-style: chr1-185969263-A-G.
Other names: short protein forms T1321A.
Identifiers: ClinVar variation 2001142 (VCV002001142.4), dbSNP rs1272071287, ClinGen allele CA343874553.